The following is an entry in ClinVar:

ClinVar aggregate classification (germline): Likely pathogenic (1 of 4 stars; one submission).

Conditions:
Severe myoclonic epilepsy in infancy (DRVT). Also called: SEVERE MYOCLONIC EPILEPSY OF INFANCY; Dravet syndrome; Epileptic encephalopathy, early infantile, 6 (Dravet syndrome); DEVELOPMENTAL AND EPILEPTIC ENCEPHALOPATHY 6A; Severe Myoclonic Epilepsy in Infancy (SMEI). Identifiers: Orphanet 33069, MedGen C0751122, MONDO:0100135, OMIM 607208.

Submission:

3billion
Classification: Likely pathogenic for Severe myoclonic epilepsy in infancy. Last evaluated: 2025-08-27. Review status: criteria provided, single submitter. Criteria: ACMG Guidelines, 2015. Collection method: clinical testing. Allele origin: germline. Affected: yes.
Comment: The variant is not observed in the gnomAD v4.1.0 dataset. Predicted Consequence/Location: Frameshift: predicted to result in a loss or disruption of normal protein function through protein truncation. Multiple pathogenic variants are reported in the predicted truncated region. Therefore, this variant is classified as Likely pathogenic according to the recommendation of ACMG/AMP guideline.

NM_001165963.4(SCN1A):c.5253del (p.Val1752fs)

Genes: SCN1A (sodium voltage-gated channel alpha subunit 1; minus strand), LOC102724058 (uncharacterized LOC102724058; plus strand). Cytogenetic location: 2q24.3.
Variant type: Deletion.
Coding change: c.5253del on transcript NM_001165963.4 (MANE Select); coding-DNA position 5253, one base deleted (A; older notation c.5253delA).
Protein change: p.Val1752fs; shifts the reading frame from valine 1752.
Molecular consequence: frameshift variant. On other transcripts: non-coding transcript variant (1).
Genome position (GRCh38, 1-based): chr2:165,992,022, T deleted on the plus strand (A on the coding strand, the reverse complement: SCN1A is on the minus strand). VCF-style (leftmost placement, unchanged base first): chr2-165992021-CT-C. GRCh37 (hg19) VCF-style: chr2-166848531-CT-C.
Other names: c.5169del, p.Val1724fs (NM_001165964.3, NM_001353957.2, NM_001353958.2); c.5253del, p.Val1752fs (NM_001202435.3, NM_001353948.2); c.5220del, p.Val1741fs (NM_001353949.2, NM_001353950.2, NM_001353951.2 and 2 more transcripts); c.5217del, p.Val1740fs (NM_001353954.2, NM_001353955.2); c.5166del, p.Val1723fs (NM_001353960.2); c.2811del, p.Val938fs (NM_001353961.2); short protein forms V1723fs, V1724fs, V1740fs, V1741fs, V1752fs, V938fs.
Identifiers: ClinVar variation 4855171 (VCV004855171.1).